The following is an entry in ClinVar:

ClinVar aggregate classification (germline): Pathogenic (1 of 4 stars; one submission).

Conditions:
Spastic paraplegia. Identifiers: MedGen C0037772, HP:0001258.

Submission:

Labcorp Genetics (formerly Invitae), Labcorp
Classification: Pathogenic for Spastic paraplegia. Last evaluated: 2018-10-17. Review status: criteria provided, single submitter. Criteria: Invitae Variant Classification Sherloc (09022015). Collection method: clinical testing. Allele origin: germline.
Comment: For these reasons, this variant has been classified as Pathogenic. Loss-of-function variants in ZFYVE26 are known to be pathogenic (PMID: 18394578, 19805727). This variant has not been reported in the literature in individuals with ZFYVE26-related disease. This variant is not present in population databases (ExAC no frequency). This sequence change creates a premature translational stop signal (p.Gln621*) in the ZFYVE26 gene. It is expected to result in an absent or disrupted protein product.

Literature cited by the submitters: PubMed 18394578; PubMed 19805727.

NM_015346.4(ZFYVE26):c.1861C>T (p.Gln621Ter)

Gene: ZFYVE26 (zinc finger FYVE-type containing 26; minus strand). Cytogenetic location: 14q24.1.
Variant type: single nucleotide variant.
Coding change: c.1861C>T on transcript NM_015346.4 (MANE Select); coding-DNA position 1861, C replaced by T.
Protein change: p.Gln621Ter; replaces glutamine 621 with a stop codon.
Molecular consequence: nonsense.
Genome position (GRCh38, 1-based): chr14:67,798,401, G>A on the plus strand (C>T on the coding strand, the complement: ZFYVE26 is on the minus strand). VCF-style: chr14-67798401-G-A. GRCh37 (hg19) VCF-style: chr14-68265118-G-A.
Other names: short protein forms Q621*.
Identifiers: ClinVar variation 650964 (VCV000650964.6), dbSNP rs1594930532, ClinGen allele CA390175708.